The following is an entry in ClinVar:

ClinVar aggregate classification (germline): Uncertain significance (1 of 4 stars; one submission).

Allele frequency attached by ClinVar (database versions not stated): gnomAD exomes below 0.00001 and 0.00001; TOPMed below 0.00001; ExAC 0.00001.
gnomAD v4.1: 1 of 1,614,000 alleles (0.000062%); highest among the groups gnomAD compares: East Asian, 0.0022%; no homozygotes.

Submission:

GeneDx
Classification: Uncertain significance. Last evaluated: 2019-07-11. Review status: criteria provided, single submitter. Criteria: GeneDx Variant Classification Process June 2021. Collection method: clinical testing. Allele origin: germline. Affected: yes.
Comment: In silico analysis, which includes protein predictors and evolutionary conservation, supports that this variant does not alter protein structure/function; Has not been previously published as pathogenic or benign to our knowledge

NM_014141.6(CNTNAP2):c.983G>A (p.Ser328Asn)

Gene: CNTNAP2 (contactin associated protein 2; plus strand). Cytogenetic location: 7q35.
Variant type: single nucleotide variant.
Coding change: c.983G>A on transcript NM_014141.6 (MANE Select); coding-DNA position 983, G replaced by A.
Protein change: p.Ser328Asn; replaces serine 328 with asparagine.
Molecular consequence: missense variant.
Genome position (GRCh38, 1-based): chr7:147,128,736, G>A. VCF-style: chr7-147128736-G-A. GRCh37 (hg19) VCF-style: chr7-146825828-G-A.
Other names: short protein forms S328N.
Identifiers: ClinVar variation 359182 (VCV000359182.6), dbSNP rs758429654, ClinGen allele CA4545945.